The following is an entry in ClinVar:

ClinVar aggregate classification (germline): Uncertain significance (1 of 4 stars; one submission).

Conditions:
Cholestanol storage disease (CTX). Also called: CEREBRAL CHOLESTERINOSIS; Cerebrotendinous Xanthomatosis; CTX: Cerebrotendinous xanthomatosis. Identifiers: Orphanet 909, MedGen C0238052, MONDO:0008948, OMIM 213700.

Allele frequency attached by ClinVar (database versions not stated): gnomAD exomes below 0.00001; ExAC 0.00001; gnomAD 0.00001; TOPMed 0.00001.
gnomAD v4.1: 9 of 1,614,096 alleles (0.00056%); highest among the groups gnomAD compares: Middle Eastern, 0.016%; no homozygotes.

Submission:

Labcorp Genetics (formerly Invitae), Labcorp
Classification: Uncertain significance for Cholestanol storage disease. Last evaluated: 2022-11-01. Review status: criteria provided, single submitter. Criteria: Invitae Variant Classification Sherloc (09022015). Collection method: clinical testing. Allele origin: germline.
Comment: This sequence change falls in intron 4 of the CYP27A1 gene. It does not directly change the encoded amino acid sequence of the CYP27A1 protein. It affects a nucleotide within the consensus splice site. This variant is present in population databases (rs768674577, gnomAD no frequency). This variant has not been reported in the literature in individuals affected with CYP27A1-related conditions. ClinVar contains an entry for this variant (Variation ID: 1443481). Variants that disrupt the consensus splice site are a relatively common cause of aberrant splicing (PMID: 17576681, 9536098). Algorithms developed to predict the effect of sequence changes on RNA splicing suggest that this variant is not likely to affect RNA splicing. In summary, the available evidence is currently insufficient to determine the role of this variant in disease. Therefore, it has been classified as a Variant of Uncertain Significance.

Literature cited by the submitters: PubMed 17576681; PubMed 9536098.

NM_000784.4(CYP27A1):c.845-3C>T

Gene: CYP27A1 (cytochrome P450 family 27 subfamily A member 1; plus strand). Cytogenetic location: 2q35.
Variant type: single nucleotide variant.
Coding change: c.845-3C>T on transcript NM_000784.4 (MANE Select); 3 bases into the intron before coding-DNA position 845, C replaced by T.
Molecular consequence: intron variant.
Genome position (GRCh38, 1-based): chr2:218,812,921, C>T. VCF-style: chr2-218812921-C-T. GRCh37 (hg19) VCF-style: chr2-219677644-C-T.
Identifiers: ClinVar variation 1443481 (VCV001443481.5), dbSNP rs768674577, ClinGen allele CA2112744.